The following is an entry in ClinVar:

ClinVar aggregate classification (germline): Benign. Review status: criteria provided, multiple submitters, no conflicts (2 of 4 stars). 5 submissions from 5 submitters: Benign (4). 1 of the submissions does not count toward it. Last evaluated 2026-01-19.

Conditions:
PCDH19-related disorder. Also called: PCDH19-related condition.
Inborn genetic diseases. Identifiers: MedGen C0950123, MeSH D030342.
Developmental and epileptic encephalopathy, 9 (DEE9). Also called: EPILEPSY, FEMALE-RESTRICTED, WITH MENTAL RETARDATION; Early infantile epileptic encephalopathy 9; JUBERG-HELLMAN SYNDROME; PCDH19-Related X-Linked Female-Limited Epilepsy with Mental Retardation. Identifiers: Orphanet 101039, Orphanet 2076, MedGen C1848137, MONDO:0010246, OMIM 300088. Disease mechanism: loss of function.

Allele frequency attached by ClinVar (database versions not stated): gnomAD 0.00038 and 0.00057; TOPMed 0.00045; gnomAD exomes 0.00072 and 0.00124; ExAC 0.00131; 1000 Genomes Project 30x 0.00395; 1000 Genomes Project 0.00424.
gnomAD v4.1: 835 of 1,210,055 alleles (0.069%); highest among the groups gnomAD compares: East Asian, 2.4%; 6 homozygotes.

Submissions (5):

Labcorp Genetics (formerly Invitae), Labcorp
Classification: Benign for Developmental and epileptic encephalopathy, 9. Last evaluated: 2026-01-19. Review status: criteria provided, single submitter. Criteria: Invitae Variant Classification Sherloc (09022015). Collection method: clinical testing. Allele origin: germline.

Ambry Genetics
Classification: Benign for Inborn genetic diseases. Last evaluated: 2018-01-02. Review status: criteria provided, single submitter. Criteria: Ambry Variant Classification Scheme 2023. Collection method: clinical testing. Allele origin: germline.

GeneDx
Classification: Benign. Last evaluated: 2015-03-03. Review status: criteria provided, single submitter. Criteria: GeneDx Variant Classification Process June 2021. Collection method: clinical testing. Allele origin: germline. Affected: yes.
Comment: This variant is associated with the following publications: (PMID: 29924869)

Eurofins Ntd Llc (ga)
Classification: Benign. Last evaluated: 2014-09-08. Review status: criteria provided, single submitter. Criteria: EGL Classification Definitions 2015. Collection method: clinical testing. Allele origin: germline. Observed: 1 variant allele, 1 heterozygote.

PreventionGenetics, part of Exact Sciences
Classification: Benign for PCDH19-related condition. Last evaluated: 2024-06-21. Review status: no assertion criteria provided. Collection method: clinical testing. Allele origin: germline. Not counted in ClinVar's aggregate classification.
Comment: This variant is classified as benign based on ACMG/AMP sequence variant interpretation guidelines (Richards et al. 2015 PMID: 25741868, with internal and published modifications).

NM_001184880.2(PCDH19):c.3400A>C (p.Asn1134His)

Gene: PCDH19 (protocadherin 19; minus strand). Cytogenetic location: Xq22.1.
Variant type: single nucleotide variant.
Coding change: c.3400A>C on transcript NM_001184880.2 (MANE Select); coding-DNA position 3400, A replaced by C.
Protein change: p.Asn1134His; replaces asparagine 1134 with histidine.
Molecular consequence: missense variant.
Genome position (GRCh38, 1-based): chrX:100,296,324, T>G on the plus strand (A>C on the coding strand, the complement: PCDH19 is on the minus strand). VCF-style: chrX-100296324-T-G. GRCh37 (hg19) VCF-style: chrX-99551322-T-G.
Other names: c.3259A>C, p.Asn1087His (NM_001105243.2); c.3256A>C, p.Asn1086His (NM_020766.3); short protein forms N1134H, N1087H, N1086H.
Identifiers: ClinVar variation 198129 (VCV000198129.19), dbSNP rs141816797, ClinGen allele CA203268.